The following is an entry in ClinVar:

NM_182977.3(NNT):c.1262A>G (p.His421Arg)

Gene: NNT (nicotinamide nucleotide transhydrogenase; plus strand). Cytogenetic location: 5p12.
Variant type: single nucleotide variant.
Coding change: c.1262A>G on transcript NM_182977.3 (MANE Select); coding-DNA position 1262, A replaced by G.
Protein change: p.His421Arg; replaces histidine 421 with arginine.
Molecular consequence: missense variant.
Genome position (GRCh38, 1-based): chr5:43,644,774, A>G. VCF-style: chr5-43644774-A-G. GRCh37 (hg19) VCF-style: chr5-43644876-A-G.
Other names: c.869A>G, p.His290Arg (NM_001331026.2); c.1262A>G, p.His421Arg (NM_012343.4); short protein forms H421R, H290R.
Identifiers: ClinVar variation 2127622 (VCV002127622.4), dbSNP rs2478494085, ClinGen allele CA359656218.

ClinVar aggregate classification (germline): Uncertain significance (1 of 4 stars; one submission).

Submission:

Labcorp Genetics (formerly Invitae), Labcorp
Classification: Uncertain significance. Last evaluated: 2022-04-18. Review status: criteria provided, single submitter. Criteria: Invitae Variant Classification Sherloc (09022015). Collection method: clinical testing. Allele origin: germline.
Comment: This variant has not been reported in the literature in individuals affected with NNT-related conditions. In summary, the available evidence is currently insufficient to determine the role of this variant in disease. Therefore, it has been classified as a Variant of Uncertain Significance. Algorithms developed to predict the effect of missense changes on protein structure and function are either unavailable or do not agree on the potential impact of this missense change (SIFT: "Tolerated"; PolyPhen-2: "Possibly Damaging"; Align-GVGD: "Class C0"). This variant is not present in population databases (gnomAD no frequency). This sequence change replaces histidine, which is basic and polar, with arginine, which is basic and polar, at codon 421 of the NNT protein (p.His421Arg).